The following is an entry in ClinVar:

NM_001429.4(EP300):c.2034G>A (p.Pro678=)

Gene: EP300 (EP300 lysine acetyltransferase; plus strand). Cytogenetic location: 22q13.2.
Variant type: single nucleotide variant.
Coding change: c.2034G>A on transcript NM_001429.4 (MANE Select); coding-DNA position 2034, G replaced by A.
Protein change: p.Pro678=; no amino-acid change (proline 678 retained).
Molecular consequence: synonymous variant.
Genome position (GRCh38, 1-based): chr22:41,141,203, G>A. VCF-style: chr22-41141203-G-A. GRCh37 (hg19) VCF-style: chr22-41537207-G-A.
Other names: c.2034G>A, p.Pro678= (NM_001362843.2); c.2034G>A (NM_001429.3).
Identifiers: ClinVar variation 2653197 (VCV002653197.28), dbSNP rs772761956, ClinGen allele CA10252694.
Genomic context (GRCh38, chr22:41,141,203, plus strand): 5'-ACCAAATGCTGCAGGCATGGTTCCAGTTTCCATGAATCCAGGGCCTAACATGGGACAGCC[G>A]CAACCAGGAATGACTTCTAGTAAGTGGTTTTTGTTATATTTCTGTTTGAGAGAAATTGAT-3'
Protein context (NP_001420.2, residues 668-688): SMNPGPNMGQ[Pro678=]QPGMTSNGPL

ClinVar aggregate classification (germline): Likely benign. Review status: criteria provided, multiple submitters, no conflicts (2 of 4 stars). 3 submissions from 3 submitters: Likely benign (2). 1 of the submissions does not count toward it. Last evaluated 2025-09-10.

Conditions:
Rubinstein-Taybi syndrome due to EP300 haploinsufficiency. Also called: EP300-Related Rubinstein-Taybi Syndrome; RUBINSTEIN-TAYBI SYNDROME 2. Identifiers: Orphanet 353284, Orphanet 783, MedGen C3150941, MONDO:0013364, OMIM 613684.
EP300-related disorder. Also called: EP300-related condition; EP300-related disorders.

Allele frequency attached by ClinVar (database versions not stated): TOPMed 0.00003; gnomAD 0.00005; gnomAD exomes 0.00006; ExAC 0.00009.

Submissions (3):

Labcorp Genetics (formerly Invitae), Labcorp
Classification: Likely benign for Rubinstein-Taybi syndrome due to EP300 haploinsufficiency. Last evaluated: 2025-09-10. Review status: criteria provided, single submitter. Criteria: Invitae Variant Classification Sherloc (09022015). Collection method: clinical testing. Allele origin: germline.

CeGaT Center for Human Genetics Tuebingen
Classification: Likely benign. Last evaluated: 2023-06-01. Review status: criteria provided, single submitter. Criteria: CeGaT Center For Human Genetics Tuebingen Variant Classification Criteria Version 2. Collection method: clinical testing. Allele origin: germline. Affected: yes. Observed: 2 variant alleles.
Comment: EP300: BP4, BP7

PreventionGenetics, part of Exact Sciences
Classification: Likely benign for EP300-related condition. Last evaluated: 2022-04-11. Review status: no assertion criteria provided. Collection method: clinical testing. Allele origin: germline. Not counted in ClinVar's aggregate classification.
Comment: This variant is classified as likely benign based on ACMG/AMP sequence variant interpretation guidelines (Richards et al. 2015 PMID: 25741868, with internal and published modifications).